The following is an entry in ClinVar:

NM_000540.3(RYR1):c.8044A>G (p.Ile2682Val)

Gene: RYR1 (ryanodine receptor 1; plus strand). Cytogenetic location: 19q13.2.
Variant type: single nucleotide variant.
Coding change: c.8044A>G on transcript NM_000540.3 (MANE Select); coding-DNA position 8044, A replaced by G.
Protein change: p.Ile2682Val; replaces isoleucine 2682 with valine.
Molecular consequence: missense variant.
Genome position (GRCh38, 1-based): chr19:38,504,337, A>G. VCF-style: chr19-38504337-A-G. GRCh37 (hg19) VCF-style: chr19-38994977-A-G.
Other names: c.8044A>G, p.Ile2682Val (NM_001042723.2); short protein forms I2682V.
Identifiers: ClinVar variation 2269431 (VCV002269431.3), dbSNP rs1015817190, ClinGen allele CA308115933.

ClinVar aggregate classification (germline): Uncertain significance. Review status: criteria provided, multiple submitters, no conflicts (2 of 4 stars). 2 submissions from 2 submitters: Uncertain significance (2). Last evaluated 2023-12-13.

Conditions:
Inborn genetic diseases. Identifiers: MedGen C0950123, MeSH D030342.
Malignant hyperthermia, susceptibility to, 1 (MHS1). Also called: Malignant hyperthermia suceptibility 1; Anesthesia related hyperthermia; Malignant hyperpyrexia; Fulminating hyperpyrexia; Pharmacogenic myopathy; RYR1-Related Malignant Hyperthermia Susceptibility. Identifiers: Orphanet 423, MedGen C2930980, MONDO:0007783, OMIM 145600.

Allele frequency attached by ClinVar (database versions not stated): gnomAD exomes below 0.00001; TOPMed below 0.00001; gnomAD 0.00001.
gnomAD v4.1: 5 of 1,614,072 alleles (0.00031%); highest among the groups gnomAD compares: Non-Finnish European, 0.00042%; no homozygotes.

Submissions (2):

All of Us Research Program, National Institutes of Health
Classification: Uncertain significance for Malignant hyperthermia, susceptibility to, 1. Last evaluated: 2023-12-13. Review status: criteria provided, single submitter. Criteria: ACMG Guidelines, 2015. Collection method: clinical testing. Allele origin: germline. Inheritance: Autosomal dominant inheritance. Observed: 3 variant alleles, 3 heterozygotes.
Comment: This missense variant replaces isoleucine with valine at codon 2682 of the RYR1 protein. Computational prediction is inconclusive regarding the impact of this variant on protein structure and function (internally defined REVEL score threshold 0.5 < inconclusive < 0.7, PMID: 27666373). To our knowledge, functional studies have not been reported for this variant. This variant has not been reported in individuals affected with RYR1-related disorders in the literature. This variant has not been identified in the general population by the Genome Aggregation Database (gnomAD). The available evidence is insufficient to determine the role of this variant in disease conclusively. Therefore, this variant is classified as a Variant of Uncertain Significance.

This study involves interpretation of variants in research participants for the purpose of population health screening. Participant phenotype was not available at the time of variant classification. Additional details can be found in publication PMID: 35346344, PMCID: PMC8962531

Ambry Genetics
Classification: Uncertain significance for Inborn genetic diseases. Last evaluated: 2022-01-04. Review status: criteria provided, single submitter. Criteria: Ambry Variant Classification Scheme 2023. Collection method: clinical testing. Allele origin: germline.